The following is an entry in ClinVar:

ClinVar aggregate classification (germline): Likely pathogenic. Review status: criteria provided, single submitter (1 of 4 stars). 3 submissions from 3 submitters: Likely pathogenic (1). 2 of the submissions do not count toward it. Last evaluated 2023-10-12.

Conditions:
Mulibrey nanism syndrome. Also called: MUSCLE-LIVER-BRAIN-EYE NANISM; PERHEENTUPA SYNDROME; PERICARDIAL CONSTRICTION AND GROWTH FAILURE. Identifiers: Orphanet 2576, MedGen C0524582, MONDO:0009664, OMIM 253250.

Allele frequency attached by ClinVar (database versions not stated): gnomAD exomes below 0.00001.
gnomAD v4.1: 1 of 1,614,056 alleles (0.000062%); highest among the groups gnomAD compares: Admixed American, 0.0017%; no homozygotes.

Submissions (3):

Baylor Genetics
Classification: Likely pathogenic for Mulibrey nanism syndrome. Last evaluated: 2023-10-12. Review status: criteria provided, single submitter. Criteria: ACMG Guidelines, 2015. Collection method: clinical testing. Allele origin: unknown.

Genetics laboratory, Institute of Kidney Diseases & Research Centre Dr. H.L. Trivedi Institute Of Transplantation Sciences
Classification: Likely pathogenic for Mulibrey nanism syndrome. Last evaluated: 2024-07-16. Review status: no assertion criteria provided. Collection method: clinical testing. Allele origin: germline. Inheritance: Autosomal recessive inheritance. Affected: yes. Observed: 1 variant allele, 1 homozygote. Not counted in ClinVar's aggregate classification.
Comment: A homozygous nonsense variant c.586C>T in TRIM37 gene (chr17:57157145; Depth:63x) was detected. The variant (p.Gln196Ter) at 196th amino acid position, the glutamine is replaced by a premature stop codon. This variant has not been observed in the 1000 genomes and topmed database but has a minor allele frequency in the gnomAD database. The variant has been reported as likely pathogenic in clinvar database. In silico predictions are deleterious by SIFT, PolyPhen2, CADD, REVEL and MVP. Based on the aforementioned evidence, the variant is classified as a likely pathogenic according to the ACMG-AMP classification system.

Laboratory of Molecular Oncology, N.N. Petrov Institute of Oncology
Classification: Uncertain significance for Mulibrey nanism syndrome. Review status: no assertion criteria provided. Collection method: reference population. Allele origin: germline. Observed: 1 variant allele, 1 heterozygote. Not counted in ClinVar's aggregate classification.

NM_015294.6(TRIM37):c.586C>T (p.Gln196Ter)

Gene: TRIM37 (tripartite motif containing 37; minus strand). Cytogenetic location: 17q22.
Variant type: single nucleotide variant.
Coding change: c.586C>T on transcript NM_015294.6 (MANE Select); coding-DNA position 586, C replaced by T.
Protein change: p.Gln196Ter; replaces glutamine 196 with a stop codon.
Molecular consequence: nonsense. On other transcripts: 5 prime UTR variant (1), non-coding transcript variant (2).
Genome position (GRCh38, 1-based): chr17:59,079,784, G>A on the plus strand (C>T on the coding strand, the complement: TRIM37 is on the minus strand). VCF-style: chr17-59079784-G-A. GRCh37 (hg19) VCF-style: chr17-57157145-G-A.
Other names: c.586C>T, p.Gln196Ter (NM_001005207.5, NM_001320988.3, NM_001320989.3 and 2 more transcripts); c.484C>T, p.Gln162Ter (NM_001320987.3, NM_001353082.2); c.220C>T, p.Gln74Ter (NM_001320990.3); c.-167C>T (NM_001353083.2); c.124C>T, p.Gln42Ter (NM_001353085.2); short protein forms Q196*, Q42*, Q74*, Q162*.
Identifiers: ClinVar variation 561179 (VCV000561179.5), dbSNP rs1568191596, ClinGen allele CA400390426.
Genomic context (GRCh38, chr17:59,079,784, plus strand): 5'-GGTACCCCAGCAGCATACATAAACACTTACCCATCAGTGTTATAAGCTTATTCTTCAGCT[G>A]TGTGTCTAACCGTGCAATCATCATCTCCACTGCATTCCTAATTTCCCGAACACGCTCATC-3'